The following is an entry in ClinVar:

NM_007259.5(VPS45):c.1294A>C (p.Lys432Gln)

Gene: VPS45 (vacuolar protein sorting 45 homolog; plus strand). Cytogenetic location: 1q21.2.
Variant type: single nucleotide variant.
Coding change: c.1294A>C on transcript NM_007259.5 (MANE Select); coding-DNA position 1294, A replaced by C.
Protein change: p.Lys432Gln; replaces lysine 432 with glutamine.
Molecular consequence: missense variant. On other transcripts: non-coding transcript variant (1).
Genome position (GRCh38, 1-based): chr1:150,092,332, A>C. VCF-style: chr1-150092332-A-C. GRCh37 (hg19) VCF-style: chr1-150064426-A-C.
Other names: c.979A>C, p.Lys327Gln (NM_001279353.2); c.1186A>C, p.Lys396Gln (NM_001279354.2); short protein forms K327Q, K432Q, K396Q.
Identifiers: ClinVar variation 645285 (VCV000645285.6), dbSNP rs1571849671, ClinGen allele CA342256048.

ClinVar aggregate classification (germline): Uncertain significance (1 of 4 stars; one submission).

Conditions:
Congenital neutropenia-myelofibrosis-nephromegaly syndrome. Also called: Severe congenital neutropenia 5, autosomal recessive. Identifiers: Orphanet 369852, MedGen C3809031, MONDO:0014118, OMIM 615285.

Submission:

Labcorp Genetics (formerly Invitae), Labcorp
Classification: Uncertain significance for Congenital neutropenia-myelofibrosis-nephromegaly syndrome. Last evaluated: 2021-08-30. Review status: criteria provided, single submitter. Criteria: Invitae Variant Classification Sherloc (09022015). Collection method: clinical testing. Allele origin: germline.
Comment: This sequence change replaces lysine with glutamine at codon 432 of the VPS45 protein (p.Lys432Gln). The lysine residue is moderately conserved and there is a small physicochemical difference between lysine and glutamine. This variant is not present in population databases (ExAC no frequency). This variant has not been reported in the literature in individuals affected with VPS45-related conditions. Algorithms developed to predict the effect of missense changes on protein structure and function (SIFT, PolyPhen-2, Align-GVGD) all suggest that this variant is likely to be tolerated. In summary, the available evidence is currently insufficient to determine the role of this variant in disease. Therefore, it has been classified as a Variant of Uncertain Significance.